The following is an entry in ClinVar:

ClinVar aggregate classification (germline): Pathogenic (1 of 4 stars; one submission).

Conditions:
Aortic aneurysm, familial thoracic 10 (AAT10). Identifiers: MedGen C4284414, MONDO:0014950, OMIM 617168.

Submission:

Department of Clinical Genetics, Copenhagen University Hospital, Rigshospitalet
Classification: Pathogenic for Aortic aneurysm, familial thoracic 10. Last evaluated: 2024-06-06. Review status: criteria provided, single submitter. Criteria: ACMG Guidelines, 2015. Collection method: clinical testing. Allele origin: germline.
Comment: PVS1_VStr, PP3_M, PM2_Sup

NM_002317.7(LOX):c.713dup (p.Cys238fs)

Genes: LOX (lysyl oxidase; minus strand), SRFBP1 (serum response factor binding protein 1; plus strand). Cytogenetic location: 5q23.1.
Variant type: Duplication.
Coding change: c.713dup on transcript NM_002317.7 (MANE Select); coding-DNA position 713, one base duplicated (G; older notation c.713dupG).
Protein change: p.Cys238fs; shifts the reading frame from cysteine 238.
Molecular consequence: frameshift variant. On other transcripts: intron variant (1).
Genome position (GRCh38, 1-based): chr5:122,076,920, C duplicated on the plus strand (G on the coding strand, the reverse complement: LOX is on the minus strand). VCF-style (leftmost placement, unchanged base first): chr5-122076919-G-GC. GRCh37 (hg19) VCF-style: chr5-121412614-G-GC.
Other names: c.23dup, p.Cys8fs (NM_001178102.2); c.-152+172dup (NM_001317073.1); c.713dupG (NM_002317.7); short protein forms C238fs, C8fs.
Identifiers: ClinVar variation 3899267 (VCV003899267.1).